The following is an entry in ClinVar:

NM_000094.4(COL7A1):c.7105G>A (p.Gly2369Ser)

Gene: COL7A1 (collagen type VII alpha 1 chain; minus strand). Cytogenetic location: 3p21.31.
Variant type: single nucleotide variant.
Coding change: c.7105G>A on transcript NM_000094.4 (MANE Select); coding-DNA position 7105, G replaced by A.
Protein change: p.Gly2369Ser; replaces glycine 2369 with serine.
Molecular consequence: missense variant.
Genome position (GRCh38, 1-based): chr3:48,571,160, C>T on the plus strand (G>A on the coding strand, the complement: COL7A1 is on the minus strand). VCF-style: chr3-48571160-C-T. GRCh37 (hg19) VCF-style: chr3-48608593-C-T.
Other names: short protein forms G2369S.
Identifiers: ClinVar variation 1433239 (VCV001433239.7), dbSNP rs2107650142, ClinGen allele CA352651309.

ClinVar aggregate classification (germline): Conflicting classifications of pathogenicity. Review status: criteria provided, conflicting classifications (1 of 4 stars). 2 submissions from 2 submitters: Likely pathogenic (1); Uncertain significance (1). Last evaluated 2026-05-01.

Conditions:
Recessive dystrophic epidermolysis bullosa (RDEB). Also called: DYSTROPHIC EPIDERMOLYSIS BULLOSA, AUTOSOMAL RECESSIVE; EPIDERMOLYSIS BULLOSA DYSTROPHICA, HALLOPEAU-SIEMENS TYPE; Hallopeau-Siemens Disease; Epidermolysis Bullosa Distrophica Autosomal Recessive (RDEB); severe generalized recessive dystrophic epidermolysis bullosa; EPIDERMOLYSIS BULLOSA DYSTROPHICA, GENERALIZED SEVERE, AUTOSOMAL RECESSIVE. Identifiers: Orphanet 79408, Orphanet 79409, MedGen C0079474, MONDO:0009179, OMIM 226600.

Allele frequency attached by ClinVar (database versions not stated): gnomAD exomes below 0.00001.

Submissions (2):

Centre for Medical Genetics,  Mumbai
Classification: Likely pathogenic for Recessive dystrophic epidermolysis bullosa. Last evaluated: 2026-05-01. Review status: criteria provided, single submitter. Criteria: ACMG Guidelines, 2015. Collection method: provider interpretation. Allele origin: germline. Inheritance: Autosomal recessive inheritance. Affected: yes. Observed: 1 variant allele, 1 homozygote.
Comment: The variant satisfies PM2 criteria - extremely low frequency in gnomAD population databases. The variant satisfies PP3 criteria - for a missense or a splicing region variant, computational prediction tools unanimously support a deleterious effect on the gene. The variant satisfies PM5 criteria - different amino acid change as a known pathogenic in a non-repeat region or a stop-loss variant. Hence, the variant should be considered as likely pathogenic.

Labcorp Genetics (formerly Invitae), Labcorp
Classification: Uncertain significance. Last evaluated: 2022-10-24. Review status: criteria provided, single submitter. Criteria: Invitae Variant Classification Sherloc (09022015). Collection method: clinical testing. Allele origin: germline.
Comment: This sequence change replaces glycine, which is neutral and non-polar, with serine, which is neutral and polar, at codon 2369 of the COL7A1 protein (p.Gly2369Ser). In summary, the available evidence is currently insufficient to determine the role of this variant in disease. Therefore, it has been classified as a Variant of Uncertain Significance. Algorithms developed to predict the effect of missense changes on protein structure and function (SIFT, PolyPhen-2, Align-GVGD) all suggest that this variant is likely to be disruptive. ClinVar contains an entry for this variant (Variation ID: 1433239). This missense change has been observed in individual(s) with autosomal recessive dystrophic epidermolysis bullosa and/or features of epidermolysis bullosa (PMID: 21448560; Invitae). In at least one individual the data is consistent with being in trans (on the opposite chromosome) from a pathogenic variant. This variant is not present in population databases (gnomAD no frequency).

Literature cited by the submitters: PubMed 8513326 (cited by Centre for Medical Genetics,  Mumbai); PubMed 21448560 (cited by Labcorp Genetics (formerly Invitae), Labcorp).